The following is an entry in ClinVar:

NM_017570.5(OPLAH):c.1880G>A (p.Arg627Gln)

Gene: OPLAH (5-oxoprolinase, ATP-hydrolysing; minus strand). Cytogenetic location: 8q24.3.
Variant type: single nucleotide variant.
Coding change: c.1880G>A on transcript NM_017570.5 (MANE Select); coding-DNA position 1880, G replaced by A.
Protein change: p.Arg627Gln; replaces arginine 627 with glutamine.
Molecular consequence: missense variant.
Genome position (GRCh38, 1-based): chr8:144,056,488, C>T on the plus strand (G>A on the coding strand, the complement: OPLAH is on the minus strand). VCF-style: chr8-144056488-C-T. GRCh37 (hg19) VCF-style: chr8-145111391-C-T.
Other names: short protein forms R627Q.
Identifiers: ClinVar variation 2158116 (VCV002158116.1), dbSNP rs374261777, ClinGen allele CA4931676.

ClinVar aggregate classification (germline): Uncertain significance (1 of 4 stars; one submission).

Conditions:
5-Oxoprolinase deficiency (OPLAHD). Also called: 5-OXOPROLINURIA DUE TO 5-OXOPROLINASE DEFICIENCY. Identifiers: Orphanet 33572, MedGen C0268525, MONDO:0009825, OMIM 260005, HP:0040142.

Allele frequency attached by ClinVar (database versions not stated): gnomAD exomes 0.00002; ExAC 0.00005; TOPMed 0.00013; gnomAD 0.00017.

Submission:

Labcorp Genetics (formerly Invitae), Labcorp
Classification: Uncertain significance for 5-Oxoprolinase deficiency. Last evaluated: 2022-08-17. Review status: criteria provided, single submitter. Criteria: Invitae Variant Classification Sherloc (09022015). Collection method: clinical testing. Allele origin: germline.
Comment: This sequence change replaces arginine, which is basic and polar, with glutamine, which is neutral and polar, at codon 627 of the OPLAH protein (p.Arg627Gln). This variant is present in population databases (rs374261777, gnomAD 0.06%). This variant has not been reported in the literature in individuals affected with OPLAH-related conditions. Algorithms developed to predict the effect of sequence changes on RNA splicing suggest that this variant may create or strengthen a splice site. In summary, the available evidence is currently insufficient to determine the role of this variant in disease. Therefore, it has been classified as a Variant of Uncertain Significance.